The following is an entry in ClinVar:

NM_001135651.3(EIF2AK2):c.290C>T (p.Ser97Phe)

Gene: EIF2AK2 (eukaryotic translation initiation factor 2 alpha kinase 2; minus strand). Cytogenetic location: 2p22.2.
Variant type: single nucleotide variant.
Coding change: c.290C>T on transcript NM_001135651.3 (MANE Select); coding-DNA position 290, C replaced by T.
Protein change: p.Ser97Phe; replaces serine 97 with phenylalanine.
Molecular consequence: missense variant.
Genome position (GRCh38, 1-based): chr2:37,141,652, G>A on the plus strand (C>T on the coding strand, the complement: EIF2AK2 is on the minus strand). VCF-style: chr2-37141652-G-A. GRCh37 (hg19) VCF-style: chr2-37368795-G-A.
Other names: c.290C>T, p.Ser97Phe (NM_001135652.3, NM_002759.4); short protein forms S97F.
Identifiers: ClinVar variation 813275 (VCV000813275.3), dbSNP rs1573031939, ClinGen allele CA346320286.

ClinVar aggregate classification (germline): Uncertain significance. Review status: criteria provided, multiple submitters, no conflicts (2 of 4 stars). 2 submissions from 2 submitters: Uncertain significance (2). Last evaluated 2020-12-18.

Conditions:
Developmental regression. Also called: C1836830. Identifiers: MedGen C1836830, HP:0002376.
Global developmental delay (DD). Also called: Cognitive delay. Identifiers: MedGen C0557874, HP:0001263. Disease mechanism: loss of function.
Leukoencephalopathy. Identifiers: MedGen C0270612, HP:0002352.
Leukoencephalopathy, developmental delay, and episodic neurologic regression syndrome. Also called: LEUDEN SYNDROME. Identifiers: MedGen C5394367, MONDO:0030035, OMIM 618877.

Submissions (2):

SIB Swiss Institute of Bioinformatics
Classification: Uncertain significance for Leukoencephalopathy, developmental delay, and episodic neurologic regression syndrome. Last evaluated: 2020-12-18. Review status: criteria provided, single submitter. Criteria: ACMG Guidelines, 2015. Collection method: curation. Allele origin: unknown.
Comment: This variant is interpreted as a variant of uncertain significance for Leukoencephalopathy, developmental delay, and episodic neurologic regression syndrome, autosomal dominant The following ACMG Tag(s) were applied: Absent from controls (or at extremely low frequency if recessive) in Exome Sequencing Project, 1000 Genomes Project, or Exome Aggregation Consortium (PM2); de novo variant (PS2 downgraded to moderate); Multiple lines of computational evidence suggest no impact on gene or gene product (BP4).

Baylor Genetics
Classification: Uncertain significance for Global developmental delay; Leukoencephalopathy; Developmental regression. Last evaluated: 2019-10-09. Review status: criteria provided, single submitter. Criteria: ACMG Guidelines, 2015. Collection method: clinical testing. Allele origin: de novo. Inheritance: Autosomal dominant inheritance. Affected: yes. Observed: 1 heterozygote.
Comment: Functional studies show decrease in kinase activity.

Literature cited by the submitters: PubMed 32197074 (cited by SIB Swiss Institute of Bioinformatics).